The following is an entry in ClinVar:

ClinVar aggregate classification (germline): Pathogenic (1 of 4 stars; one submission).

Conditions:
Gorlin syndrome. Also called: Nevoid Basal Cell Carcinoma Syndrome; Basal cell nevus syndrome. Identifiers: Orphanet 377, MedGen C0004779, MONDO:0007187.

Submission:

Labcorp Genetics (formerly Invitae), Labcorp
Classification: Pathogenic for Gorlin syndrome. Last evaluated: 2025-01-27. Review status: criteria provided, single submitter. Criteria: Invitae Variant Classification Sherloc (09022015). Collection method: clinical testing. Allele origin: germline.
Comment: This sequence change affects a donor splice site in intron 10 of the PTCH1 gene. It is expected to disrupt RNA splicing. Variants that disrupt the donor or acceptor splice site typically lead to a loss of protein function (PMID: 16199547), and loss-of-function variants in PTCH1 are known to be pathogenic (PMID: 16301862, 16419085). This variant is not present in population databases (gnomAD no frequency). Disruption of this splice site has been observed in individuals with basal cell nevus syndrome (PMID: 35437209; internal data). ClinVar contains an entry for this variant (Variation ID: 1465498). Algorithms developed to predict the effect of sequence changes on RNA splicing suggest that this variant may disrupt the consensus splice site. For these reasons, this variant has been classified as Pathogenic.

Literature cited by the submitters: PubMed 16199547; PubMed 16301862; PubMed 16419085; PubMed 35437209.

NM_000264.5(PTCH1):c.1503+2T>C

Gene: PTCH1 (patched 1; minus strand). Cytogenetic location: 9q22.32.
Variant type: single nucleotide variant.
Coding change: c.1503+2T>C on transcript NM_000264.5 (MANE Select); the canonical splice donor site of the intron after coding-DNA position 1503, T replaced by C.
Molecular consequence: splice donor variant. On other transcripts: intron variant (1).
Genome position (GRCh38, 1-based): chr9:95,477,545, A>G on the plus strand (T>C on the coding strand, the complement: PTCH1 is on the minus strand). VCF-style: chr9-95477545-A-G. GRCh37 (hg19) VCF-style: chr9-98239827-A-G.
Other names: c.1500+2T>C (NM_001083603.3); c.1305+2T>C (NM_001083602.3); c.1347+510T>C (NM_001354918.2); c.1050+2T>C (NM_001083605.3, NM_001083604.3, NM_001083606.3 and 1 more transcripts).
Identifiers: ClinVar variation 1465498 (VCV001465498.8), dbSNP rs2118302461, ClinGen allele CA374118364.